The following is an entry in ClinVar:

ClinVar aggregate classification (germline): Uncertain significance. Review status: criteria provided, multiple submitters, no conflicts (2 of 4 stars). 2 submissions from 2 submitters: Uncertain significance (2). Last evaluated 2025-10-27.

Allele frequency attached by ClinVar (database versions not stated): ESP Exome Variant Server 0.00008; TOPMed 0.00010; gnomAD exomes 0.00014; ExAC 0.00016.
gnomAD v4.1: 180 of 1,614,068 alleles (0.011%); highest among the groups gnomAD compares: Middle Eastern, 0.13%; no homozygotes.

Submissions (2):

Mayo Clinic Laboratories, Mayo Clinic
Classification: Uncertain significance. Last evaluated: 2025-10-27. Review status: criteria provided, single submitter. Criteria: ACMG Guidelines, 2015. Collection method: clinical testing. Allele origin: germline. Observed: 1 variant allele.
Comment: BP4_moderate

Labcorp Genetics (formerly Invitae), Labcorp
Classification: Uncertain significance. Last evaluated: 2025-10-16. Review status: criteria provided, single submitter. Criteria: Invitae Variant Classification Sherloc (09022015). Collection method: clinical testing. Allele origin: germline.
Comment: This sequence change replaces alanine, which is neutral and non-polar, with aspartic acid, which is acidic and polar, at codon 325 of the OAS1 protein (p.Ala325Asp). This variant is present in population databases (rs374610472, gnomAD 0.02%). This variant has not been reported in the literature in individuals affected with OAS1-related conditions. ClinVar contains an entry for this variant (Variation ID: 1039854). An algorithm developed to predict the effect of missense changes on protein structure and function outputs the following: PolyPhen-2: "Benign". The aspartic acid amino acid residue is found in multiple mammalian species, which suggests that this missense change does not adversely affect protein function. In summary, the available evidence is currently insufficient to determine the role of this variant in disease. Therefore, it has been classified as a Variant of Uncertain Significance.

NM_016816.4(OAS1):c.974C>A (p.Ala325Asp)

Gene: OAS1 (2'-5'-oligoadenylate synthetase 1; plus strand). Cytogenetic location: 12q24.13.
Variant type: single nucleotide variant.
Coding change: c.974C>A on transcript NM_016816.4 (MANE Select); coding-DNA position 974, C replaced by A.
Protein change: p.Ala325Asp; replaces alanine 325 with aspartic acid.
Molecular consequence: missense variant.
Genome position (GRCh38, 1-based): chr12:112,917,636, C>A. VCF-style: chr12-112917636-C-A. GRCh37 (hg19) VCF-style: chr12-113355441-C-A.
Other names: p.Ala325Asp; c.974C>A, p.Ala325Asp (NM_001032409.3, NM_001320151.2, NM_002534.4); short protein forms A325D.
Identifiers: ClinVar variation 1039854 (VCV001039854.7), dbSNP rs374610472, ClinGen allele CA6799953.
Genomic context (GRCh38, chr12:112,917,636, plus strand): 5'-CAGGAAACTTGGGTGGTGGAGACCCAAAGGGTTGGAGGCAGCTGGCACAAGAGGCTGAGG[C>A]CTGGCTGAATTACCCATGCTTTAAGAATTGGGATGGGTCCCCAGTGAGCTCCTGGATTCT-3'
Protein context (NP_058132.2, residues 315-335): GWRQLAQEAE[Ala325Asp]WLNYPCFKNW